The following is an entry in ClinVar:

NM_001388419.1(KALRN):c.6036+3G>A

Gene: KALRN (kalirin RhoGEF kinase; plus strand). Cytogenetic location: 3q21.2.
Variant type: single nucleotide variant.
Coding change: c.6036+3G>A on transcript NM_001388419.1 (MANE Select); 3 bases into the intron after coding-DNA position 6036, G replaced by A.
Molecular consequence: intron variant.
Genome position (GRCh38, 1-based): chr3:124,657,806, G>A. VCF-style: chr3-124657806-G-A. GRCh37 (hg19) VCF-style: chr3-124376653-G-A.
Other names: c.6033+3G>A (NM_001024660.5); c.6030+3G>A (NM_001322988.2); c.4110+3G>A (NM_001388412.1); c.942+3G>A (NM_007064.5, NM_001322993.2, NM_001322995.2 and 1 more transcripts); c.846+3G>A (NM_001322998.2, NM_001323000.2); c.939+3G>A (NM_001322997.2, NM_001322994.2); c.843+3G>A (NM_001322999.2, NM_001323001.2).
Identifiers: ClinVar variation 3060858 (VCV003060858.2), dbSNP rs106520, ClinGen allele CA2580658.

ClinVar aggregate classification (germline): Benign (0 of 4 stars; one submission).

Conditions:
KALRN-related disorder. Also called: KALRN-related condition.

Allele frequency attached by ClinVar (database versions not stated): ESP Exome Variant Server 0.23235; gnomAD 0.27990; gnomAD exomes 0.28155; TOPMed 0.28258; ExAC 0.31858; 1000 Genomes Project 30x 0.34853; 1000 Genomes Project 0.36202.
gnomAD v4.1: 450,685 of 1,598,924 alleles (28%); highest among the groups gnomAD compares: East Asian, 77%; 71,996 homozygotes.

Submission:

PreventionGenetics, part of Exact Sciences
Classification: Benign for KALRN-related condition. Last evaluated: 2019-10-18. Review status: no assertion criteria provided. Collection method: clinical testing. Allele origin: germline.
Comment: This variant is classified as benign based on ACMG/AMP sequence variant interpretation guidelines (Richards et al. 2015 PMID: 25741868, with internal and published modifications).